The following is an entry in ClinVar:

NM_001288705.3(CSF1R):c.2132+5C>A

Gene: CSF1R (colony stimulating factor 1 receptor; minus strand). Cytogenetic location: 5q32.
Variant type: single nucleotide variant.
Coding change: c.2132+5C>A on transcript NM_001288705.3 (MANE Select); 5 bases into the intron after coding-DNA position 2132, C replaced by A.
Molecular consequence: intron variant.
Genome position (GRCh38, 1-based): chr5:150,059,695, G>T on the plus strand (C>A on the coding strand, the complement: CSF1R is on the minus strand). VCF-style: chr5-150059695-G-T. GRCh37 (hg19) VCF-style: chr5-149439258-G-T.
Other names: c.1688+5C>A (NM_001375321.1); c.2132+5C>A (NM_005211.4, NM_001375320.1, NM_001349736.2).
Identifiers: ClinVar variation 3008201 (VCV003008201.3), dbSNP rs17110908, ClinGen allele CA3506569.

ClinVar aggregate classification (germline): Uncertain significance (1 of 4 stars; one submission).

gnomAD v4.1: 13 of 1,612,970 alleles (0.00081%); highest among the groups gnomAD compares: East Asian, 0.027%; no homozygotes.

Submission:

Labcorp Genetics (formerly Invitae), Labcorp
Classification: Uncertain significance. Last evaluated: 2024-01-06. Review status: criteria provided, single submitter. Criteria: Invitae Variant Classification Sherloc (09022015). Collection method: clinical testing. Allele origin: germline.
Comment: This sequence change falls in intron 15 of the CSF1R gene. It does not directly change the encoded amino acid sequence of the CSF1R protein. It affects a nucleotide within the consensus splice site. This variant is present in population databases (rs17110908, gnomAD 0.05%). This variant has not been reported in the literature in individuals affected with CSF1R-related conditions. Variants that disrupt the consensus splice site are a relatively common cause of aberrant splicing (PMID: 17576681, 9536098). Algorithms developed to predict the effect of sequence changes on RNA splicing suggest that this variant is not likely to affect RNA splicing. In summary, the available evidence is currently insufficient to determine the role of this variant in disease. Therefore, it has been classified as a Variant of Uncertain Significance.

Literature cited by the submitters: PubMed 17576681; PubMed 9536098.